The following is an entry in ClinVar:

ClinVar aggregate classification (germline): Pathogenic. Review status: criteria provided, multiple submitters, no conflicts (2 of 4 stars). 2 submissions from 2 submitters: Pathogenic (2). Last evaluated 2025-01-03.

Conditions:
Charcot-Marie-Tooth disease type 2. Also called: Charcot-Marie-Tooth type 2. Identifiers: Orphanet 64746, MedGen C0270914, MONDO:0018993.
Cardiovascular phenotype. Identifiers: MedGen CN230736.

Submissions (2):

Ambry Genetics
Classification: Pathogenic for Cardiovascular phenotype. Last evaluated: 2025-01-03. Review status: criteria provided, single submitter. Criteria: Ambry Variant Classification Scheme 2023. Collection method: clinical testing. Allele origin: germline.
Comment: The c.611delT pathogenic mutation, located in coding exon 3 of the LMNA gene, results from a deletion of one nucleotide at nucleotide position 611, causing a translational frameshift with a predicted alternate stop codon (p.L204Rfs*276). This variant is considered to be rare based on population cohorts in the Genome Aggregation Database (gnomAD). This alteration is expected to result in loss of function by premature protein truncation or nonsense-mediated mRNA decay. As such, this alteration is interpreted as a disease-causing mutation.

Labcorp Genetics (formerly Invitae), Labcorp
Classification: Pathogenic for Charcot-Marie-Tooth disease type 2. Last evaluated: 2019-05-20. Review status: criteria provided, single submitter. Criteria: Invitae Variant Classification Sherloc (09022015). Collection method: clinical testing. Allele origin: germline.
Comment: For these reasons, this variant has been classified as Pathogenic. Loss-of-function variants in LMNA are known to be pathogenic (PMID: 18585512, 18926329). This variant has not been reported in the literature in individuals with LMNA-related conditions. This variant is not present in population databases (ExAC no frequency). This sequence change creates a premature translational stop signal (p.Leu204Argfs*276) in the LMNA gene. It is expected to result in an absent or disrupted protein product.

Literature cited by the submitters: PubMed 18585512 (cited by Labcorp Genetics (formerly Invitae), Labcorp); PubMed 18926329 (cited by Labcorp Genetics (formerly Invitae), Labcorp).

NM_170707.4(LMNA):c.611del (p.Leu204fs)

Gene: LMNA (lamin A/C; plus strand). Cytogenetic location: 1q22.
Variant type: Deletion.
Coding change: c.611del on transcript NM_170707.4 (MANE Select); coding-DNA position 611, one base deleted (T; older notation c.611delT).
Protein change: p.Leu204fs; shifts the reading frame from leucine 204.
Molecular consequence: frameshift variant.
Genome position (GRCh38, 1-based): chr1:156,134,500, T deleted. VCF-style (leftmost placement, unchanged base first): chr1-156134499-CT-C. GRCh37 (hg19) VCF-style: chr1-156104290-CT-C.
Other names: c.275del, p.Leu92fs (NM_001257374.3); c.368del, p.Leu123fs (NM_001282624.2); c.611del, p.Leu204fs (NM_001282625.2, NM_001282626.2, NM_005572.4 and 1 more transcripts); c.611delT (NM_170707.2); short protein forms L123fs, L204fs, L92fs.
Identifiers: ClinVar variation 864423 (VCV000864423.8), dbSNP rs1651352665, ClinGen allele CA916079913.